The following is an entry in ClinVar:

NM_000426.4(LAMA2):c.1558T>A (p.Cys520Ser)

Gene: LAMA2 (laminin subunit alpha 2; plus strand). Cytogenetic location: 6q22.33.
Variant type: single nucleotide variant.
Coding change: c.1558T>A on transcript NM_000426.4 (MANE Select); coding-DNA position 1558, T replaced by A.
Protein change: p.Cys520Ser; replaces cysteine 520 with serine.
Molecular consequence: missense variant.
Genome position (GRCh38, 1-based): chr6:129,190,295, T>A. VCF-style: chr6-129190295-T-A. GRCh37 (hg19) VCF-style: chr6-129511440-T-A.
Other names: c.1558T>A, p.Cys520Ser (NM_001079823.2); short protein forms C520S.
Identifiers: ClinVar variation 452474 (VCV000452474.10), dbSNP rs886061046, ClinGen allele CA365607964.

ClinVar aggregate classification (germline): Uncertain significance. Review status: criteria provided, multiple submitters, no conflicts (2 of 4 stars). 2 submissions from 2 submitters: Uncertain significance (2). Last evaluated 2021-05-30.

Conditions:
LAMA2-related muscular dystrophy (LAMA2-RD). Also called: Laminin alpha 2-related dystrophy. Identifiers: MedGen C5679788, MONDO:0100228.

Submissions (2):

Labcorp Genetics (formerly Invitae), Labcorp
Classification: Uncertain significance for LAMA2-related muscular dystrophy. Last evaluated: 2021-05-30. Review status: criteria provided, single submitter. Criteria: Invitae Variant Classification Sherloc (09022015). Collection method: clinical testing. Allele origin: germline.
Comment: In summary, the available evidence is currently insufficient to determine the role of this variant in disease. Therefore, it has been classified as a Variant of Uncertain Significance. Advanced modeling of protein sequence and biophysical properties (such as structural, functional, and spatial information, amino acid conservation, physicochemical variation, residue mobility, and thermodynamic stability) performed at Invitae indicates that this missense variant is expected to disrupt LAMA2 protein function. This variant has not been reported in the literature in individuals with LAMA2-related conditions. ClinVar contains an entry for this variant (Variation ID: 452474). This variant is not present in population databases (ExAC no frequency). This sequence change replaces cysteine with serine at codon 520 of the LAMA2 protein (p.Cys520Ser). The cysteine residue is moderately conserved and there is a moderate physicochemical difference between cysteine and serine.

GeneDx
Classification: Uncertain significance. Last evaluated: 2017-10-03. Review status: criteria provided, single submitter. Criteria: GeneDx Variant Classification (06012015). Collection method: clinical testing. Allele origin: germline. Affected: yes.
Comment: A variant of uncertain significance has been identified in the LAMA2 gene. The C520S variant has not been published as a pathogenic variant, nor has it been reported as a benign variant to our knowledge. The C520S variant is not observed in large population cohorts (Lek et al., 2016). The C520S variant is a non-conservative amino acid substitution, which is likely to impact secondary protein structure as these residues differ in polarity, charge, size and/or other properties. This substitution occurs at a position that is conserved across species. In silico analysis predicts this variant is probably damaging to the protein structure/function. Based on the currently available information, it is unclear whether this variant is a pathogenic variant or a rare benign variant.